The following is an entry in ClinVar:

NM_032776.3(JMJD1C):c.5774A>G (p.Glu1925Gly)

Gene: JMJD1C (jumonji domain containing 1C; minus strand). Cytogenetic location: 10q21.3.
Variant type: single nucleotide variant.
Coding change: c.5774A>G on transcript NM_032776.3 (MANE Select); coding-DNA position 5774, A replaced by G.
Protein change: p.Glu1925Gly; replaces glutamic acid 1925 with glycine.
Molecular consequence: missense variant. On other transcripts: non-coding transcript variant (1).
Genome position (GRCh38, 1-based): chr10:63,193,433, T>C on the plus strand (A>G on the coding strand, the complement: JMJD1C is on the minus strand). VCF-style: chr10-63193433-T-C. GRCh37 (hg19) VCF-style: chr10-64953193-T-C.
Other names: c.5228A>G, p.Glu1743Gly (NM_001282948.2, NM_001318154.2); c.4910A>G, p.Glu1637Gly (NM_001318153.2); c.5660A>G, p.Glu1887Gly (NM_001322252.2); c.5117A>G, p.Glu1706Gly (NM_001322254.2, NM_001322258.2); c.5774A>G (NM_032776.1); short protein forms E1637G, E1706G, E1743G, E1887G, E1925G.
Identifiers: ClinVar variation 1017103 (VCV001017103.7), dbSNP rs376099176, ClinGen allele CA5518028.
Genomic context (GRCh38, chr10:63,193,433, plus strand): 5'-TTTCCAACTTGTAAATTCTGTTTGTTAGTACAATGACAATGGGATTTAATACCATATTTT[T>C]CCCTAAGAGTGTGCATGGCATCTAGAAGATCTGTCAAAACTACAAAATAAAATGGTAGTT-3'
Protein context (NP_116165.1, residues 1915-1935): DLLDAMHTLR[Glu1925Gly]KYGIKSHCHC

ClinVar aggregate classification (germline): Uncertain significance. Review status: criteria provided, multiple submitters, no conflicts (2 of 4 stars). 2 submissions from 2 submitters: Uncertain significance (2). Last evaluated 2025-11-20.

Conditions:
Early Myoclonic Encephalopathy. Identifiers: MedGen C0270855.

Allele frequency attached by ClinVar (database versions not stated): gnomAD 0.00002 and 0.00001; gnomAD exomes 0.00003 and 0.00006; ExAC 0.00003; TOPMed 0.00004; ESP Exome Variant Server 0.00017.
gnomAD v4.1: 85 of 1,598,816 alleles (0.0053%); highest among the groups gnomAD compares: Non-Finnish European, 0.0071%; no homozygotes.

Submissions (2):

Ambry Genetics
Classification: Uncertain significance. Last evaluated: 2025-11-20. Review status: criteria provided, single submitter. Criteria: Ambry Variant Classification Scheme 2023. Collection method: clinical testing. Allele origin: germline.

Labcorp Genetics (formerly Invitae), Labcorp
Classification: Uncertain significance for Early Myoclonic Encephalopathy. Last evaluated: 2025-01-06. Review status: criteria provided, single submitter. Criteria: Invitae Variant Classification Sherloc (09022015). Collection method: clinical testing. Allele origin: germline.
Comment: This sequence change replaces glutamic acid, which is acidic and polar, with glycine, which is neutral and non-polar, at codon 1925 of the JMJD1C protein (p.Glu1925Gly). This variant is present in population databases (rs376099176, gnomAD 0.007%). This variant has not been reported in the literature in individuals affected with JMJD1C-related conditions. ClinVar contains an entry for this variant (Variation ID: 1017103). Invitae Evidence Modeling of protein sequence and biophysical properties (such as structural, functional, and spatial information, amino acid conservation, physicochemical variation, residue mobility, and thermodynamic stability) indicates that this missense variant is not expected to disrupt JMJD1C protein function with a negative predictive value of 80%. In summary, the available evidence is currently insufficient to determine the role of this variant in disease. Therefore, it has been classified as a Variant of Uncertain Significance.